The following is an entry in ClinVar:

NM_003590.5(CUL3):c.884-2del

Gene: CUL3 (cullin 3; minus strand). Cytogenetic location: 2q36.2.
Variant type: Deletion.
Coding change: c.884-2del on transcript NM_003590.5 (MANE Select); the canonical splice acceptor site of the intron before coding-DNA position 884, one base deleted (A; older notation c.884-2delA).
Molecular consequence: splice acceptor variant.
Genome position (GRCh38, 1-based): chr2:224,507,005, T deleted on the plus strand (A on the coding strand, the reverse complement: CUL3 is on the minus strand). VCF-style (leftmost placement, unchanged base first): chr2-224507004-CT-C. GRCh37 (hg19) VCF-style: chr2-225371721-CT-C.
Other names: c.686-2del (NM_001257197.2); c.902-2del (NM_001257198.2).
Identifiers: ClinVar variation 4854920 (VCV004854920.1).
Genomic context (GRCh38, chr2:224,507,004, plus strand): 5'-CACACATTGTTTTCAAACCATTTGGCACACGACTAAATAACTTGTACATGCAACCAAGGT[CT>C]ACAAATCAGAAAACACAAATTGGCTACATTAAAGATTAAAGAAAAAAACACGAATCTCTG-3'

ClinVar aggregate classification (germline): Likely pathogenic (1 of 4 stars; one submission).

Conditions:
Neurodevelopmental disorder with or without autism or seizures (NEDAUS). Identifiers: MedGen C5543225, MONDO:0030994, OMIM 619239.

Submission:

3billion
Classification: Likely pathogenic for Neurodevelopmental disorder with or without autism or seizures. Last evaluated: 2026-01-06. Review status: criteria provided, single submitter. Criteria: ACMG Guidelines, 2015. Collection method: clinical testing. Allele origin: germline. Affected: yes.
Comment: The variant is not observed in the gnomAD v4.1.0 dataset. Predicted Consequence/Location: Canonical splice site: predicted to alter splicing and result in a loss or disruption of normal protein function. Multiple pathogenic loss-of-function variants are reported downstream of the variant. In silico tools predict the variant to alter splicing and produce an abnormal transcript [SpliceAI: 0.99 (spliceogenicity >=0.2, non-spliceogenicity <0.1)]. Therefore, this variant is classified as Likely pathogenic according to the recommendation of ACMG/AMP guideline.